The following is an entry in ClinVar:

NM_006269.2(RP1):c.3391G>T (p.Ala1131Ser)

Gene: RP1 (RP1 axonemal microtubule associated; plus strand). Cytogenetic location: 8q12.1.
Variant type: single nucleotide variant.
Coding change: c.3391G>T on transcript NM_006269.2 (MANE Select); coding-DNA position 3391, G replaced by T.
Protein change: p.Ala1131Ser; replaces alanine 1131 with serine.
Molecular consequence: missense variant. On other transcripts: intron variant (1).
Genome position (GRCh38, 1-based): chr8:54,627,273, G>T. VCF-style: chr8-54627273-G-T. GRCh37 (hg19) VCF-style: chr8-55539833-G-T.
Other names: c.787+4985G>T (NM_001375654.1); short protein forms A1131S.
Identifiers: ClinVar variation 4540399 (VCV004540399.3).

ClinVar aggregate classification (germline): Uncertain significance. Review status: criteria provided, multiple submitters, no conflicts (2 of 4 stars). 3 submissions from 3 submitters: Uncertain significance (3). Last evaluated 2026-05-28.

Conditions:
RP1-related disorder. Also called: RP1-related condition.

gnomAD v4.1: 3 of 1,614,068 alleles (0.00019%); highest among the groups gnomAD compares: Non-Finnish European, 0.00025%; no homozygotes.

Submissions (3):

PreventionGenetics, part of Exact Sciences
Classification: Uncertain significance for RP1-related condition. Last evaluated: 2026-05-28. Review status: criteria provided, single submitter. Criteria: ACMG Guidelines, 2015. Collection method: clinical testing. Allele origin: germline.
Comment: The RP1 c.3391G>T variant is predicted to result in the amino acid substitution p.Ala1131Ser. To our knowledge, this variant has not been reported in the literature or in a large population database (gnomAD), indicating this variant is rare. At this time, the clinical significance of this variant is uncertain due to the absence of conclusive functional and genetic evidence.

GeneDx
Classification: Uncertain significance. Last evaluated: 2025-06-26. Review status: criteria provided, single submitter. Criteria: GeneDx Variant Classification Process June 2021. Collection method: clinical testing. Allele origin: germline. Affected: yes.
Comment: Not observed at significant frequency in large population cohorts (gnomAD); In silico analysis suggests that this missense variant does not alter protein structure/function; Has not been previously published as pathogenic or benign to our knowledge

Blueprint Genetics
Classification: Uncertain significance. Last evaluated: 2017-12-13. Review status: criteria provided, single submitter. Criteria: ACMG Guidelines, 2015. Collection method: clinical testing. Allele origin: germline.